The following is an entry in ClinVar:

ClinVar aggregate classification (germline): Pathogenic (1 of 4 stars; one submission).

Submission:

Labcorp Genetics (formerly Invitae), Labcorp
Classification: Pathogenic. Last evaluated: 2024-01-25. Review status: criteria provided, single submitter. Criteria: Invitae Variant Classification Sherloc (09022015). Collection method: clinical testing. Allele origin: germline.
Comment: This sequence change creates a premature translational stop signal (p.Arg807Leufs*38) in the ADAMTS13 gene. It is expected to result in an absent or disrupted protein product. Loss-of-function variants in ADAMTS13 are known to be pathogenic (PMID: 11586351, 12753286, 21781265). This variant is not present in population databases (gnomAD no frequency). This variant has not been reported in the literature in individuals affected with ADAMTS13-related conditions. For these reasons, this variant has been classified as Pathogenic.

Literature cited by the submitters: PubMed 11586351; PubMed 12753286; PubMed 21781265.

NM_139027.6(ADAMTS13):c.2414_2418dup (p.Arg807fs)

Gene: ADAMTS13 (ADAM metallopeptidase with thrombospondin type 1 motif 13; plus strand). Cytogenetic location: 9q34.2.
Variant type: Microsatellite.
Coding change: c.2414_2418dup on transcript NM_139027.6 (MANE Select); coding-DNA positions 2414 to 2418, 5 bases duplicated (CTGCC; older notation c.2414_2418dupCTGCC).
Protein change: p.Arg807fs; shifts the reading frame from arginine 807.
Molecular consequence: frameshift variant.
Genome position (GRCh38, 1-based): chr9:133,443,555-133,443,559, CTGCC duplicated; duplicating any 5 consecutive bases within chr9:133,443,547-133,443,559 gives the same sequence; the c. name uses the placement nearest the transcript's 3' end. VCF-style (leftmost placement, unchanged base first): chr9-133443546-A-AGCCCT. GRCh37 (hg19) VCF-style: chr9-136308667-A-AGCCCT.
Other names: c.2414_2418dup, p.Arg807fs (NM_139025.5); c.2321_2325dup, p.Arg776fs (NM_139026.6); short protein forms R807fs, R776fs.
Identifiers: ClinVar variation 3633272 (VCV003633272.2).